The following is an entry in ClinVar:

ClinVar aggregate classification (germline): Uncertain significance (1 of 4 stars; one submission).

Conditions:
Hereditary spastic paraplegia 11. Also called: Nakamura Osame syndrome; Autosomal recessive hereditary spastic paraplegia, mental impairment, and thin corpus callosum; SPASTIC PARAPLEGIA, AUTOSOMAL RECESSIVE, COMPLICATED, WITH THIN CORPUS CALLOSUM; SPASTIC PARAPLEGIA, AUTOSOMAL RECESSIVE, WITH MENTAL IMPAIRMENT AND THIN CORPUS CALLOSUM; Spastic paraplegia, mental retardation and thin corpus callosum; Spastic Paraplegia 11. Identifiers: Orphanet 2822, MedGen C1858479, MONDO:0011445, OMIM 604360.

Allele frequency attached by ClinVar (database versions not stated): gnomAD exomes below 0.00001.
gnomAD v4.1: 1 of 1,613,632 alleles (0.000062%); highest among the groups gnomAD compares: Non-Finnish European, 0.000085%; no homozygotes.

Submission:

Labcorp Genetics (formerly Invitae), Labcorp
Classification: Uncertain significance for Hereditary spastic paraplegia 11. Last evaluated: 2021-04-12. Review status: criteria provided, single submitter. Criteria: Invitae Variant Classification Sherloc (09022015). Collection method: clinical testing. Allele origin: germline.
Comment: In summary, the available evidence is currently insufficient to determine the role of this variant in disease. Therefore, it has been classified as a Variant of Uncertain Significance. Algorithms developed to predict the effect of missense changes on protein structure and function are either unavailable or do not agree on the potential impact of this missense change (SIFT: "Deleterious"; PolyPhen-2: "Probably Damaging"; Align-GVGD: "Class C0"). This variant has not been reported in the literature in individuals with SPG11-related conditions. This variant is not present in population databases (ExAC no frequency). This sequence change replaces leucine with valine at codon 1473 of the SPG11 protein (p.Leu1473Val). The leucine residue is highly conserved and there is a small physicochemical difference between leucine and valine.

NM_025137.4(SPG11):c.4417C>G (p.Leu1473Val)

Gene: SPG11 (SPG11 vesicle trafficking associated, spatacsin; minus strand). Cytogenetic location: 15q21.1.
Variant type: single nucleotide variant.
Coding change: c.4417C>G on transcript NM_025137.4 (MANE Select); coding-DNA position 4417, C replaced by G.
Protein change: p.Leu1473Val; replaces leucine 1473 with valine.
Molecular consequence: missense variant.
Genome position (GRCh38, 1-based): chr15:44,596,100, G>C on the plus strand (C>G on the coding strand, the complement: SPG11 is on the minus strand). VCF-style: chr15-44596100-G-C. GRCh37 (hg19) VCF-style: chr15-44888298-G-C.
Other names: c.4417C>G, p.Leu1473Val (NM_001160227.2); short protein forms L1473V.
Identifiers: ClinVar variation 1387244 (VCV001387244.8), dbSNP rs2140971629, ClinGen allele CA392227361.